The following is an entry in ClinVar:

NM_001035.3(RYR2):c.13329-3T>C

Gene: RYR2 (ryanodine receptor 2; plus strand). Cytogenetic location: 1q43.
Variant type: single nucleotide variant.
Coding change: c.13329-3T>C on transcript NM_001035.3 (MANE Select); 3 bases into the intron before coding-DNA position 13329, T replaced by C.
Molecular consequence: intron variant.
Genome position (GRCh38, 1-based): chr1:237,787,985, T>C. VCF-style: chr1-237787985-T-C. GRCh37 (hg19) VCF-style: chr1-237951285-T-C.
Identifiers: ClinVar variation 229211 (VCV000229211.14), dbSNP rs542440592, ClinGen allele CA085350.

ClinVar aggregate classification (germline): Conflicting classifications of pathogenicity. Review status: criteria provided, conflicting classifications (1 of 4 stars). 5 submissions from 5 submitters: Uncertain significance (2); Likely benign (3). Last evaluated 2025-12-29.

Conditions:
Cardiomyopathy (CMYO). Also called: Cardiomyopathies. Identifiers: Orphanet 167848, MedGen C0878544, MONDO:0004994, HP:0001638. Inheritance: Various modes of inheritance.
Catecholaminergic polymorphic ventricular tachycardia 1. Also called: VENTRICULAR TACHYCARDIA, CATECHOLAMINERGIC POLYMORPHIC, 1, WITH OR WITHOUT ATRIAL DYSFUNCTION AND/OR DILATED CARDIOMYOPATHY; RYR2-Related Catecholaminergic Polymorphic Ventricular Tachycardia; VENTRICULAR TACHYCARDIA, STRESS-INDUCED POLYMORPHIC 1. Identifiers: Orphanet 3286, MedGen C1631597, MONDO:0011484, OMIM 604772.

Allele frequency attached by ClinVar (database versions not stated): gnomAD 0.00001; TOPMed 0.00002; gnomAD exomes 0.00003 and 0.00007; ExAC 0.00010; 1000 Genomes Project 0.00020; 1000 Genomes Project 30x 0.00031.
gnomAD v4.1: 51 of 1,584,042 alleles (0.0032%); highest among the groups gnomAD compares: South Asian, 0.053%; 1 homozygote.

Submissions (5):

Labcorp Genetics (formerly Invitae), Labcorp
Classification: Uncertain significance for Catecholaminergic polymorphic ventricular tachycardia 1. Last evaluated: 2025-12-29. Review status: criteria provided, single submitter. Criteria: Invitae Variant Classification Sherloc (09022015). Collection method: clinical testing. Allele origin: germline.
Comment: This sequence change falls in intron 91 of the RYR2 gene. It does not directly change the encoded amino acid sequence of the RYR2 protein. It affects a nucleotide within the consensus splice site. This variant is present in population databases (rs542440592, gnomAD 0.05%). This variant has not been reported in the literature in individuals affected with RYR2-related conditions. ClinVar contains an entry for this variant (Variation ID: 229211). Variants that disrupt the consensus splice site are a relatively common cause of aberrant splicing (PMID: 17576681, 9536098). Algorithms developed to predict the effect of sequence changes on RNA splicing suggest that this variant is not likely to affect RNA splicing. In summary, the available evidence is currently insufficient to determine the role of this variant in disease. Therefore, it has been classified as a Variant of Uncertain Significance.

Blueprint Genetics
Classification: Likely benign. Last evaluated: 2024-05-28. Review status: criteria provided, single submitter. Criteria: ACMG Guidelines, 2015. Collection method: clinical testing. Allele origin: germline.

CHEO Genetics Diagnostic Laboratory, Children's Hospital of Eastern Ontario
Classification: Likely benign for Cardiomyopathy. Last evaluated: 2021-06-11. Review status: criteria provided, single submitter. Criteria: ACMG Guidelines, 2015. Collection method: clinical testing. Allele origin: germline.

Color Diagnostics, LLC DBA Color Health
Classification: Likely benign for Cardiomyopathy. Last evaluated: 2018-10-15. Review status: criteria provided, single submitter. Criteria: ACMG Guidelines, 2015. Collection method: clinical testing. Allele origin: germline.

Laboratory for Molecular Medicine, Mass General Brigham Personalized Medicine
Classification: Uncertain significance. Last evaluated: 2015-04-17. Review status: criteria provided, single submitter. Criteria: LMM Criteria. Collection method: clinical testing. Allele origin: germline. Observed: 1 variant allele.
Comment: The c.13329-3T>C variant in RYR2 has not been previously reported in individuals with cardiomyopathy, but has been identified in 4/8712 South Asian chromosomes by the Exome Aggregation Consortium (ExAC; dbSNP rs542440592). This variant is located in the 3' splice region. Computational to ols do not suggest an impact to splicing and a C nucleotide at this position is consistent with the consensus splice sequence. However, this information is not predictive enough to rule out pathogenicity. In summary, the clinical significan ce of the c.13329-3T>C variant is uncertain.

Literature cited by the submitters: PubMed 17576681 (cited by Labcorp Genetics (formerly Invitae), Labcorp); PubMed 9536098 (cited by Labcorp Genetics (formerly Invitae), Labcorp).